The following is an entry in ClinVar:

NM_014629.4(ARHGEF10):c.3664G>A (p.Ala1222Thr)

Gene: ARHGEF10 (Rho guanine nucleotide exchange factor 10; plus strand). Cytogenetic location: 8p23.3.
Variant type: single nucleotide variant.
Coding change: c.3664G>A on transcript NM_014629.4 (MANE Select); coding-DNA position 3664, G replaced by A.
Protein change: p.Ala1222Thr; replaces alanine 1222 with threonine.
Molecular consequence: missense variant.
Genome position (GRCh38, 1-based): chr8:1,956,892, G>A. VCF-style: chr8-1956892-G-A. GRCh37 (hg19) VCF-style: chr8-1905058-G-A.
Other names: c.3550G>A, p.Ala1184Thr (NM_001308152.2); c.3664G>A, p.Ala1222Thr (NM_001308153.3); short protein forms A1246T, A1222T, A1184T.
Identifiers: ClinVar variation 1449669 (VCV001449669.10), dbSNP rs576755623, ClinGen allele CA4601455.

ClinVar aggregate classification (germline): Uncertain significance. Review status: criteria provided, multiple submitters, no conflicts (2 of 4 stars). 2 submissions from 2 submitters: Uncertain significance (2). Last evaluated 2024-03-12.

Allele frequency attached by ClinVar (database versions not stated): ExAC 0.00001; gnomAD 0.00001; gnomAD exomes 0.00001 and 0.00002; TOPMed 0.00002.
gnomAD v4.1: 21 of 1,614,014 alleles (0.0013%); highest among the groups gnomAD compares: Middle Eastern, 0.05%; no homozygotes.

Submissions (2):

Ambry Genetics
Classification: Uncertain significance. Last evaluated: 2024-03-12. Review status: criteria provided, single submitter. Criteria: Ambry Variant Classification Scheme 2023. Collection method: clinical testing. Allele origin: germline.

Labcorp Genetics (formerly Invitae), Labcorp
Classification: Uncertain significance. Last evaluated: 2021-07-15. Review status: criteria provided, single submitter. Criteria: Invitae Variant Classification Sherloc (09022015). Collection method: clinical testing. Allele origin: germline.
Comment: Algorithms developed to predict the effect of missense changes on protein structure and function output the following: SIFT: "Tolerated"; PolyPhen-2: "Benign"; Align-GVGD: "Class C0". The threonine amino acid residue is found in multiple mammalian species, which suggests that this missense change does not adversely affect protein function. This variant has not been reported in the literature in individuals affected with ARHGEF10-related conditions. This variant is present in population databases (rs576755623, ExAC 0.006%). This sequence change replaces alanine with threonine at codon 1222 of the ARHGEF10 protein (p.Ala1222Thr). The alanine residue is weakly conserved and there is a small physicochemical difference between alanine and threonine. In summary, the available evidence is currently insufficient to determine the role of this variant in disease. Therefore, it has been classified as a Variant of Uncertain Significance.